The following is an entry in ClinVar:

ClinVar aggregate classification (germline): Uncertain significance (1 of 4 stars; one submission).

Conditions:
Glycogen storage disease due to muscle and heart glycogen synthase deficiency. Also called: MUSCLE GLYCOGEN SYNTHASE DEFICIENCY; GSD 0b. Identifiers: Orphanet 137625, MedGen C1969054, MONDO:0012693, OMIM 611556.

Allele frequency attached by ClinVar (database versions not stated): TOPMed below 0.00001; gnomAD exomes 0.00001.
gnomAD v4.1: 13 of 1,614,164 alleles (0.00081%); highest among the groups gnomAD compares: East Asian, 0.011%; no homozygotes.

Submission:

Labcorp Genetics (formerly Invitae), Labcorp
Classification: Uncertain significance for Glycogen storage disease due to muscle and heart glycogen synthase deficiency. Last evaluated: 2022-03-25. Review status: criteria provided, single submitter. Criteria: Invitae Variant Classification Sherloc (09022015). Collection method: clinical testing. Allele origin: germline.
Comment: This sequence change replaces isoleucine, which is neutral and non-polar, with valine, which is neutral and non-polar, at codon 201 of the GYS1 protein (p.Ile201Val). This variant is present in population databases (no rsID available, gnomAD 0.01%). This variant has not been reported in the literature in individuals affected with GYS1-related conditions. Algorithms developed to predict the effect of missense changes on protein structure and function are either unavailable or do not agree on the potential impact of this missense change (SIFT: "Tolerated"; PolyPhen-2: "Probably Damaging"; Align-GVGD: "Class C0"). In summary, the available evidence is currently insufficient to determine the role of this variant in disease. Therefore, it has been classified as a Variant of Uncertain Significance.

NM_002103.5(GYS1):c.601A>G (p.Ile201Val)

Gene: GYS1 (glycogen synthase 1; minus strand). Cytogenetic location: 19q13.33.
Variant type: single nucleotide variant.
Coding change: c.601A>G on transcript NM_002103.5 (MANE Select); coding-DNA position 601, A replaced by G.
Protein change: p.Ile201Val; replaces isoleucine 201 with valine.
Molecular consequence: missense variant. On other transcripts: non-coding transcript variant (1).
Genome position (GRCh38, 1-based): chr19:48,985,927, T>C on the plus strand (A>G on the coding strand, the complement: GYS1 is on the minus strand). VCF-style: chr19-48985927-T-C. GRCh37 (hg19) VCF-style: chr19-49489184-T-C.
Other names: c.409A>G, p.Ile137Val (NM_001161587.2); short protein forms I201V, I137V.
Identifiers: ClinVar variation 1943230 (VCV001943230.5), dbSNP rs1242952298, ClinGen allele CA406765203.